The following is an entry in ClinVar:

ClinVar aggregate classification (germline): Likely benign (1 of 4 stars; one submission).

Allele frequency attached by ClinVar (database versions not stated): gnomAD 0.00001; gnomAD exomes 0.00001.
gnomAD v4.1: 9 of 1,614,054 alleles (0.00056%); highest among the groups gnomAD compares: Non-Finnish European, 0.00068%; no homozygotes.

Submission:

CeGaT Center for Human Genetics Tuebingen
Classification: Likely benign. Last evaluated: 2023-08-01. Review status: criteria provided, single submitter. Criteria: CeGaT Center For Human Genetics Tuebingen Variant Classification Criteria Version 2. Collection method: clinical testing. Allele origin: germline. Affected: yes. Observed: 1 variant allele.
Comment: ATP10A: BP4, BP7

NM_024490.4(ATP10A):c.3801C>T (p.Ala1267=)

Gene: ATP10A (ATPase phospholipid transporting 10A (putative); minus strand). Cytogenetic location: 15q12.
Variant type: single nucleotide variant.
Coding change: c.3801C>T on transcript NM_024490.4 (MANE Select); coding-DNA position 3801, C replaced by T.
Protein change: p.Ala1267=; no amino-acid change (alanine 1267 retained).
Molecular consequence: synonymous variant.
Genome position (GRCh38, 1-based): chr15:25,680,186, G>A on the plus strand (C>T on the coding strand, the complement: ATP10A is on the minus strand). VCF-style: chr15-25680186-G-A. GRCh37 (hg19) VCF-style: chr15-25925333-G-A.
Identifiers: ClinVar variation 2645015 (VCV002645015.24), dbSNP rs957689135, ClinGen allele CA267828331.